The following is an entry in ClinVar:

ClinVar aggregate classification (germline): Benign/Likely benign. Review status: criteria provided, multiple submitters, no conflicts (2 of 4 stars). 4 submissions from 4 submitters: Benign (1); Likely benign (2). 1 of the submissions does not count toward it. Last evaluated 2026-01-21.

Conditions:
PYCR1-related disorder. Also called: PYCR1-related condition.

Allele frequency attached by ClinVar (database versions not stated): gnomAD exomes 0.00005; ExAC 0.00026; gnomAD 0.00055 and 0.00061; TOPMed 0.00080; ESP Exome Variant Server 0.00085.
gnomAD v4.1: 166 of 1,614,042 alleles (0.01%); highest among the groups gnomAD compares: African/African-American, 0.17%; no homozygotes.

Submissions (4):

Labcorp Genetics (formerly Invitae), Labcorp
Classification: Benign. Last evaluated: 2026-01-21. Review status: criteria provided, single submitter. Criteria: Invitae Variant Classification Sherloc (09022015). Collection method: clinical testing. Allele origin: germline.

Blueprint Genetics
Classification: Likely benign. Last evaluated: 2024-11-14. Review status: criteria provided, single submitter. Criteria: ACMG Guidelines, 2015. Collection method: clinical testing. Allele origin: germline.

GeneDx
Classification: Likely benign. Last evaluated: 2020-10-22. Review status: criteria provided, single submitter. Criteria: GeneDx Variant Classification Process June 2021. Collection method: clinical testing. Allele origin: germline. Affected: yes.

PreventionGenetics, part of Exact Sciences
Classification: Likely benign for PYCR1-related condition. Last evaluated: 2019-03-22. Review status: no assertion criteria provided. Collection method: clinical testing. Allele origin: germline. Not counted in ClinVar's aggregate classification.
Comment: This variant is classified as likely benign based on ACMG/AMP sequence variant interpretation guidelines (Richards et al. 2015 PMID: 25741868, with internal and published modifications).

NM_006907.4(PYCR1):c.900G>A (p.Leu300=)

Gene: PYCR1 (pyrroline-5-carboxylate reductase 1; minus strand). Cytogenetic location: 17q25.3.
Variant type: single nucleotide variant.
Coding change: c.900G>A on transcript NM_006907.4 (MANE Select); coding-DNA position 900, G replaced by A.
Protein change: p.Leu300=; no amino-acid change (leucine 300 retained).
Molecular consequence: synonymous variant. On other transcripts: 3 prime UTR variant (1), intron variant (1).
Genome position (GRCh38, 1-based): chr17:81,933,274, C>T on the plus strand (G>A on the coding strand, the complement: PYCR1 is on the minus strand). VCF-style: chr17-81933274-C-T. GRCh37 (hg19) VCF-style: chr17-79891150-C-T.
Other names: c.807G>A, p.Leu269= (NM_001282279.2); c.900G>A, p.Leu300= (NM_001282280.2); c.981G>A, p.Leu327= (NM_001282281.2); c.*82G>A (NM_001330523.2); c.867+33G>A (NM_153824.3).
Identifiers: ClinVar variation 517940 (VCV000517940.16), dbSNP rs140898502, ClinGen allele CA8845236.